The following is an entry in ClinVar:

ClinVar aggregate classification (germline): Uncertain significance (1 of 4 stars; one submission).

Submission:

Labcorp Genetics (formerly Invitae), Labcorp
Classification: Uncertain significance. Last evaluated: 2025-09-02. Review status: criteria provided, single submitter. Criteria: Invitae Variant Classification Sherloc (09022015). Collection method: clinical testing. Allele origin: germline.
Comment: This sequence change creates a premature translational stop signal (p.His228Glnfs*20) in the SEMA4A gene. It is expected to result in an absent or disrupted protein product. However, the current clinical and genetic evidence is not sufficient to establish whether loss-of-function variants in SEMA4A cause disease. This variant is not present in population databases (gnomAD no frequency). This variant has not been reported in the literature in individuals affected with SEMA4A-related conditions. Experimental studies and prediction algorithms are not available or were not evaluated, and the functional significance of this variant is currently unknown. In summary, the available evidence is currently insufficient to determine the role of this variant in disease. Therefore, it has been classified as a Variant of Uncertain Significance.

NM_022367.4(SEMA4A):c.684delinsGGTCCTCCGTAAGGTCCTGCGCAGGTCCTCCGTAAGGTCCTCCGCAGGTCCTC (p.His228fs)

Gene: SEMA4A (semaphorin 4A; plus strand). Cytogenetic location: 1q22.
Variant type: Indel.
Coding change: c.684delinsGGTCCTCCGTAAGGTCCTGCGCAGGTCCTCCGTAAGGTCCTCCGCAGGTCCTC on transcript NM_022367.4 (MANE Select); coding-DNA position 684, the reference bases replaced by an inserted sequence.
Protein change: p.His228fs; shifts the reading frame from histidine 228.
Molecular consequence: frameshift variant.
Genome position (GRCh38, 1-based): chr1:156,160,558, one base replaced. GRCh37 (hg19), VCF-style position (the base before the change): chr1:156,130,349.
Other names: c.684delinsGGTCCTCCGTAAGGTCCTGCGCAGGTCCTCCGTAAGGTCCTCCGCAGGTCCTC, p.His228fs (NM_001193300.2, NM_001193301.2, NM_001370567.1); c.288delinsGGTCCTCCGTAAGGTCCTGCGCAGGTCCTCCGTAAGGTCCTCCGCAGGTCCTC, p.His96fs (NM_001193302.2); c.387delinsGGTCCTCCGTAAGGTCCTGCGCAGGTCCTCCGTAAGGTCCTCCGCAGGTCCTC, p.His129fs (NM_001370568.1); c.177delinsGGTCCTCCGTAAGGTCCTGCGCAGGTCCTCCGTAAGGTCCTCCGCAGGTCCTC, p.His59fs (NM_001370569.1, NM_001370571.1); short protein forms H228fs, H59fs, H129fs, H96fs.
Identifiers: ClinVar variation 4714199 (VCV004714199.1).